The following is an entry in ClinVar:

ClinVar aggregate classification (germline): Uncertain significance (1 of 4 stars; one submission).

Conditions:
Noonan syndrome 9 (NS9). Identifiers: Orphanet 648, MedGen C4225282, MONDO:0014691, OMIM 616559.

Allele frequency attached by ClinVar (database versions not stated): ExAC 0.00001; gnomAD exomes below 0.00001.
gnomAD v4.1: 1 of 1,598,872 alleles (0.000063%); highest among the groups gnomAD compares: Admixed American, 0.0017%; no homozygotes.

Submission:

Labcorp Genetics (formerly Invitae), Labcorp
Classification: Uncertain significance for Noonan syndrome 9. Last evaluated: 2021-11-21. Review status: criteria provided, single submitter. Criteria: Invitae Variant Classification Sherloc (09022015). Collection method: clinical testing. Allele origin: germline.
Comment: In summary, the available evidence is currently insufficient to determine the role of this variant in disease. Therefore, it has been classified as a Variant of Uncertain Significance. Advanced modeling of protein sequence and biophysical properties (such as structural, functional, and spatial information, amino acid conservation, physicochemical variation, residue mobility, and thermodynamic stability) performed at Invitae indicates that this missense variant is not expected to disrupt SOS2 protein function. ClinVar contains an entry for this variant (Variation ID: 475742). This variant has not been reported in the literature in individuals affected with SOS2-related conditions. This variant is present in population databases (rs768829374, gnomAD 0.003%). This sequence change replaces glutamic acid, which is acidic and polar, with glutamine, which is neutral and polar, at codon 710 of the SOS2 protein (p.Glu710Gln).

NM_006939.4(SOS2):c.2128G>C (p.Glu710Gln)

Gene: SOS2 (SOS Ras/Rho guanine nucleotide exchange factor 2; minus strand). Cytogenetic location: 14q21.3.
Variant type: single nucleotide variant.
Coding change: c.2128G>C on transcript NM_006939.4 (MANE Select); coding-DNA position 2128, G replaced by C.
Protein change: p.Glu710Gln; replaces glutamic acid 710 with glutamine.
Molecular consequence: missense variant.
Genome position (GRCh38, 1-based): chr14:50,153,103, C>G on the plus strand (G>C on the coding strand, the complement: SOS2 is on the minus strand). VCF-style: chr14-50153103-C-G. GRCh37 (hg19) VCF-style: chr14-50619821-C-G.
Other names: short protein forms E710Q.
Identifiers: ClinVar variation 475742 (VCV000475742.6), dbSNP rs768829374, ClinGen allele CA7177125.
Genomic context (GRCh38, chr14:50,153,103, plus strand): 5'-ATTCAATCAAACCTTTATATAATATACCTCTTACACTTGAAATGAAGGATTCTAGTCTTT[C>G]AAGCAATTCCAAGTCTCTTTCAAAGTCATAAAAATGATGTTCAACCCAATGCCGAAATAC-3'
Protein context (NP_008870.2, residues 700-720): YDFERDLELL[Glu710Gln]RLESFISSVR